The following is an entry in ClinVar:

NM_000384.3(APOB):c.10131G>A (p.Leu3377=)

Gene: APOB (apolipoprotein B; minus strand). Cytogenetic location: 2p24.1.
Variant type: single nucleotide variant.
Coding change: c.10131G>A on transcript NM_000384.3 (MANE Select); coding-DNA position 10131, G replaced by A.
Protein change: p.Leu3377=; no amino-acid change (leucine 3377 retained).
Molecular consequence: synonymous variant.
Genome position (GRCh38, 1-based): chr2:21,006,737, C>T on the plus strand (G>A on the coding strand, the complement: APOB is on the minus strand). VCF-style: chr2-21006737-C-T. GRCh37 (hg19) VCF-style: chr2-21229609-C-T.
Other names: p.Leu3377=.
Identifiers: ClinVar variation 265890 (VCV000265890.73), dbSNP rs1799812, ClinGen allele CA042539.
Genomic context (GRCh38, chr2:21,006,737, plus strand): 5'-TGTGGCTAACTTCAATCCCCTTTTTCTTGTCAATCTTGTGGTGCCCTCTAATTTGTACTG[C>T]AGTGCATCAATGACAGATGAAGATGAAGAAAGGAGATGAGCAACAATATCTGACTGGTTA-3'
Protein context (NP_000375.3, residues 3367-3387): LSSSSSVIDA[Leu3377=]QYKLEGTTRL

ClinVar aggregate classification (germline): Conflicting classifications of pathogenicity. Review status: criteria provided, conflicting classifications (1 of 4 stars). 19 submissions from 18 submitters: Uncertain significance (3); Benign (8); Likely benign (5). 3 of the submissions do not count toward it. Last evaluated 2026-09-01.

Conditions:
Cardiovascular phenotype. Identifiers: MedGen CN230736.
Familial hypobetalipoproteinemia 1. Also called: Hypobetalipoproteinemia, normotriglyceridemic; Acanthocytosis with hypobetalipoproteinemia; APOB-Related Familial Hypobetalipoproteinemia. Identifiers: MedGen C4551990, MONDO:0014252, OMIM 615558.
Hypercholesterolemia, autosomal dominant, type B (FHCL2). Also called: APOB-Related Familial Hypercholesterolemia, Autosomal Dominant; Familial hypercholesterolemia 2; APOLIPOPROTEIN B-100, FAMILIAL DEFECTIVE; APOLIPOPROTEIN B-100, FAMILIAL LIGAND-DEFECTIVE; Familial Hypercholesterolemia Type B; Hyperlipoproteinemia Type IIb. Identifiers: MedGen C1704417, MONDO:0007751, OMIM 144010.
Familial hypercholesterolemia. Also called: Familial hypercholesterolaemia; Familial hypercholesterolemias. Identifiers: MedGen C0020445, MONDO:0005439.
Hypercholesterolemia, familial, 1. Also called: LDL RECEPTOR DISORDER; Hyperlipoproteinemia Type IIa; HYPER-LOW-DENSITY-LIPOPROTEINEMIA; HYPERCHOLESTEROLEMIC XANTHOMATOSIS, FAMILIAL; Fredrickson type IIa hyperlipoproteinemia; Hyperlipoproteinemia type 2. Identifiers: Orphanet 391665, MedGen C0745103, MONDO:0007750, OMIM 143890.

Allele frequency attached by ClinVar (database versions not stated): 1000 Genomes Project 0.00339; 1000 Genomes Project 30x 0.00359; TOPMed 0.00496; gnomAD 0.00560 and 0.00564; gnomAD exomes 0.00579 and 0.00712; ExAC 0.00608; ESP Exome Variant Server 0.00661.

Submissions (19):

CeGaT Center for Human Genetics Tuebingen
Classification: Likely benign. Last evaluated: 2026-09-01. Review status: criteria provided, single submitter. Criteria: CeGaT Center For Human Genetics Tuebingen Variant Classification Criteria Version 2. Collection method: clinical testing. Allele origin: germline. Affected: yes. Observed: 46 variant alleles.
Comment: APOB: BP4, BP7, BS2

Labcorp Genetics (formerly Invitae), Labcorp
Classification: Benign for Familial hypobetalipoproteinemia 1; Hypercholesterolemia, autosomal dominant, type B. Last evaluated: 2026-02-03. Review status: criteria provided, single submitter. Criteria: Invitae Variant Classification Sherloc (09022015). Collection method: clinical testing. Allele origin: germline.

ARUP Laboratories, Molecular Genetics and Genomics, ARUP Laboratories
Classification: Benign. Last evaluated: 2025-07-17. Review status: criteria provided, single submitter. Criteria: ARUP Molecular Germline Variant Investigation Process 2024. Collection method: clinical testing. Allele origin: germline.

Molecular Diagnostic Laboratory for Inherited Cardiovascular Disease, Montreal Heart Institute
Classification: Benign. Last evaluated: 2025-04-09. Review status: criteria provided, single submitter. Criteria: ACMG Guidelines, 2015. Collection method: clinical testing. Allele origin: germline. Affected: no.

Blueprint Genetics
Classification: Likely benign. Last evaluated: 2024-11-19. Review status: criteria provided, single submitter. Criteria: ACMG Guidelines, 2015. Collection method: clinical testing. Allele origin: germline.

Mayo Clinic Laboratories, Mayo Clinic
Classification: Benign. Last evaluated: 2024-06-25. Review status: criteria provided, single submitter. Criteria: ACMG Guidelines, 2015. Collection method: clinical testing. Allele origin: germline. Observed: 19 variant alleles.
Comment: BS1, BS2, BP4, BP7

Quest Diagnostics Nichols Institute San Juan Capistrano
Classification: Benign. Last evaluated: 2022-11-23. Review status: criteria provided, single submitter. Criteria: Quest Diagnostics criteria. Collection method: clinical testing. Allele origin: unknown.

GENinCode PLC
Classification: Benign for Familial hypercholesterolemia. Last evaluated: 2022-08-01. Review status: criteria provided, single submitter. Criteria: ACMG Guidelines, 2015. Collection method: clinical testing. Allele origin: germline.

Illumina Laboratory Services, Illumina
Classification: Likely benign for Hypercholesterolemia, autosomal dominant, type B. Last evaluated: 2018-01-12. Review status: criteria provided, single submitter. Criteria: ICSL Variant Classification Criteria 13 December 2019. Collection method: clinical testing. Allele origin: germline.
Comment: This variant was observed in the ICSL laboratory as part of a predisposition screen in an ostensibly healthy population. It had not been previously curated by ICSL or reported in the Human Gene Mutation Database (HGMD: prior to June 1st, 2018), and was therefore a candidate for classification through an automated scoring system. Utilizing variant allele frequency, disease prevalence and penetrance estimates, and inheritance mode, an automated score was calculated to assess if this variant is too frequent to cause the disease. Based on the score and internal cut-off values, a variant classified as likely benign is not then subjected to further curation. The score for this variant resulted in a classification of likely benign for this disease.

Illumina Laboratory Services, Illumina
Classification: Uncertain significance for Familial hypobetalipoproteinemia 1. Last evaluated: 2018-01-12. Review status: criteria provided, single submitter. Criteria: ICSL Variant Classification Criteria 13 December 2019. Collection method: clinical testing. Allele origin: germline.

Robarts Research Institute, Western University
Classification: Likely benign for Hypercholesterolemia, familial, 1. Last evaluated: 2018-01-02. Review status: criteria provided, single submitter. Criteria: ACMG Guidelines, 2015. Collection method: clinical testing. Allele origin: germline. Inheritance: Autosomal dominant inheritance. Affected: yes.

Color Diagnostics, LLC DBA Color Health
Classification: Benign for Familial hypercholesterolemia. Last evaluated: 2017-06-27. Review status: criteria provided, single submitter. Criteria: ACMG Guidelines, 2015. Collection method: clinical testing. Allele origin: germline.

GeneDx
Classification: Benign. Last evaluated: 2016-11-21. Review status: criteria provided, single submitter. Criteria: GeneDx Variant Classification (06012015). Collection method: clinical testing. Allele origin: germline. Affected: yes.
Comment: This variant is considered likely benign or benign based on one or more of the following criteria: it is a conservative change, it occurs at a poorly conserved position in the protein, it is predicted to be benign by multiple in silico algorithms, and/or has population frequency not consistent with disease.

Cardiovascular Research Group, Instituto Nacional de Saude Doutor Ricardo Jorge
Classification: Uncertain significance for Familial hypercholesterolemia. Last evaluated: 2016-03-01. Review status: criteria provided, single submitter. Criteria: ACMG Guidelines, 2015. Collection method: research. Allele origin: germline. Affected: yes.
Comment: MAF = 4% in 200 normolipidaemic individuals

Fundacion Hipercolesterolemia Familiar
Classification: Uncertain significance for Familial hypercholesterolemia. Last evaluated: 2016-03-01. Review status: criteria provided, single submitter. Criteria: ACMG Guidelines, 2015. Collection method: research. Allele origin: germline. Study: SAFEHEART.

Ambry Genetics
Classification: Likely benign for Cardiovascular phenotype. Last evaluated: 2014-07-09. Review status: criteria provided, single submitter. Criteria: Ambry Variant Classification Scheme 2023. Collection method: clinical testing. Allele origin: germline.

Clinical Genetics DNA and cytogenetics Diagnostics Lab, Erasmus MC, Erasmus Medical Center
Classification: Likely benign. Review status: no assertion criteria provided. Collection method: clinical testing. Allele origin: germline. Affected: yes. Study: VKGL Data-share Consensus. Not counted in ClinVar's aggregate classification.

Clinical Genetics, Academic Medical Center
Classification: Benign. Review status: no assertion criteria provided. Collection method: clinical testing. Allele origin: germline. Affected: yes. Study: VKGL Data-share Consensus. Not counted in ClinVar's aggregate classification.

Diagnostic Laboratory, Department of Genetics, University Medical Center Groningen
Classification: Likely benign. Review status: no assertion criteria provided. Collection method: clinical testing. Allele origin: germline. Affected: yes. Study: VKGL Data-share Consensus. Not counted in ClinVar's aggregate classification.